The following is an entry in ClinVar:

NM_002439.5(MSH3):c.2144_2145insAGGCCGGGCGCGGTGGCTCACGCCTGTAATCCCAGCACTTTGGGAGGCCGAGGCGGGCGGATCACNNNNNNNNNNAAAAAAAAAAAAAAAAAAAAAAAAAAGAG (p.Lys716fs)

Gene: MSH3 (mutS homolog 3; plus strand). Cytogenetic location: 5q14.1.
Variant type: Microsatellite.
Coding change: c.2144_2145insAGGCCGGGCGCGGTGGCTCACGCCTGTAATCCCAGCACTTTGGGAGGCCGAGGCGGGCGGATCACNNNNNNNNNNAAAAAAAAAAAAAAAAAAAAAAAAAAGAG on transcript NM_002439.5 (MANE Select); coding-DNA positions 2144 to 2145, AGGCCGGGCGCGGTGGCTCACGCCTGTAATCCCAGCACTTTGGGAGGCCGAGGCGGGCGGATCACNNNNNNNNNNAAAAAAAAAAAAAAAAAAAAAAAAAAGAG inserted.
Protein change: p.Lys716fs; shifts the reading frame from lysine 716.
Molecular consequence: frameshift variant.
Genome position: GRCh38: chr5:80,768,886-80,768,894. GRCh37 (hg19): chr5:80,064,705-80,064,713.
Other names: short protein forms K716fs.
Identifiers: ClinVar variation 2121940 (VCV002121940.4).

ClinVar aggregate classification (germline): Pathogenic (1 of 4 stars; one submission).

Submission:

Labcorp Genetics (formerly Invitae), Labcorp
Classification: Pathogenic. Last evaluated: 2022-04-05. Review status: criteria provided, single submitter. Criteria: Invitae Variant Classification Sherloc (09022015). Collection method: clinical testing. Allele origin: germline.
Comment: This variant has not been reported in the literature in individuals affected with MSH3-related conditions. Algorithms developed to predict the effect of sequence changes on RNA splicing suggest that this variant may disrupt the consensus splice site. This variant is not present in population databases (gnomAD no frequency). This sequence change inserts a large fragment of DNA, likely a transposable element, in exon 15 of the MSH3 gene (c.2144_2145ins?), causing a frameshift at codon 715 (p.Arg715fs). The exact size and sequence of the insertion cannot be determined by the current assay. However, the insertion is expected to result in an absent or disrupted protein product. For these reasons, this variant has been classified as Pathogenic. Retrotransposon insertions including LINE1 (L1), Alu, and SVA (SINE-VNTR-Alu) have been reported to be disease-causing through disruption of either a coding region or splice site (PMID: 19763152, 20307669, 22406018) and loss-of-function variants in MSH3 are known to be pathogenic (PMID: 27476653).

Literature cited by the submitters: PubMed 19763152; PubMed 20307669; PubMed 22406018; PubMed 27476653.